The following is an entry in ClinVar:

ClinVar aggregate classification (germline): Likely pathogenic. Review status: criteria provided, multiple submitters, no conflicts (2 of 4 stars). 2 submissions from 2 submitters: Likely pathogenic (2). Last evaluated 2024-10-07.

Conditions:
Dilated cardiomyopathy 1G (CMD1G). Identifiers: Orphanet 154, MedGen C1858763, MONDO:0011400, OMIM 604145.
Autosomal recessive limb-girdle muscular dystrophy type 2J (LGMDR10). Also called: Limb-girdle muscular dystrophy, type 2J; MUSCULAR DYSTROPHY, LIMB-GIRDLE, AUTOSOMAL RECESSIVE 10. Identifiers: Orphanet 140922, MedGen C1837342, MONDO:0012127, OMIM 608807.

Allele frequency attached by ClinVar (database versions not stated): gnomAD exomes below 0.00001.
gnomAD v4.1: 1 of 1,613,436 alleles (0.000062%); highest among the groups gnomAD compares: Non-Finnish European, 0.000085%; no homozygotes.

Submissions (2):

Labcorp Genetics (formerly Invitae), Labcorp
Classification: Likely pathogenic for Dilated cardiomyopathy 1G; Autosomal recessive limb-girdle muscular dystrophy type 2J. Last evaluated: 2024-10-07. Review status: criteria provided, single submitter. Criteria: Invitae Variant Classification Sherloc (09022015). Collection method: clinical testing. Allele origin: germline.
Comment: This sequence change creates a premature translational stop signal (p.Trp7263*) in the TTN gene. While this is not anticipated to result in nonsense mediated decay, it is expected to create a truncated TTN protein. This variant is not present in population databases (gnomAD no frequency). This variant has not been observed in the literature in individuals with autosomal recessive TTN-related conditions. This variant has been reported in individual(s) with autosomal dominant dilated cardiomyopathy (internal data); however, the role of the variant in this condition is currently unclear. ClinVar contains an entry for this variant (Variation ID: 1902524). Algorithms developed to predict the effect of sequence changes on RNA splicing suggest that this variant may disrupt the consensus splice site. This variant is located in the I band of TTN (PMID: 25589632). Truncating variants in this region have been reported in individuals affected with autosomal recessive centronuclear myopathy (PMID: 23975875, internal data). Truncating variants in this region have also been identified in individuals affected with autosomal dominant dilated cardiomyopathy and/or cardio-related conditions (PMID: 27869827, 32964742, internal data). In summary, the currently available evidence indicates that the variant is pathogenic, but additional data are needed to prove that conclusively. Therefore, this variant has been classified as Likely Pathogenic.

GeneDx
Classification: Likely pathogenic. Last evaluated: 2023-06-14. Review status: criteria provided, single submitter. Criteria: GeneDx Variant Classification Process June 2021. Collection method: clinical testing. Allele origin: germline. Affected: yes.
Comment: Not observed at significant frequency in large population cohorts (gnomAD); Nonsense variant predicted to result in protein truncation or nonsense mediated decay in a gene or region of a gene for which loss of function is not a well-established mechanism of disease; Has not been previously published as pathogenic or benign to our knowledge

Literature cited by the submitters: PubMed 25589632 (cited by Labcorp Genetics (formerly Invitae), Labcorp); PubMed 23975875 (cited by Labcorp Genetics (formerly Invitae), Labcorp); PubMed 27869827 (cited by Labcorp Genetics (formerly Invitae), Labcorp); PubMed 32964742 (cited by Labcorp Genetics (formerly Invitae), Labcorp).

NM_001267550.2(TTN):c.21788G>A (p.Trp7263Ter)

Gene: TTN (titin; minus strand). Cytogenetic location: 2q31.2.
Variant type: single nucleotide variant.
Coding change: c.21788G>A on transcript NM_001267550.2 (MANE Select); coding-DNA position 21788, G replaced by A.
Protein change: p.Trp7263Ter; replaces tryptophan 7263 with a stop codon.
Molecular consequence: nonsense. On other transcripts: intron variant (3).
Genome position (GRCh38, 1-based): chr2:178,723,219, C>T on the plus strand (G>A on the coding strand, the complement: TTN is on the minus strand). VCF-style: chr2-178723219-C-T. GRCh37 (hg19) VCF-style: chr2-179587946-C-T.
Other names: c.20837G>A, p.Trp6946Ter (NM_001256850.1); c.18056G>A, p.Trp6019Ter (NM_133378.4); c.13282+14863G>A (NM_003319.4); c.13858+14863G>A (NM_133437.4); c.13657+14863G>A (NM_133432.3); short protein forms W7263*, W6019*, W6946*.
Identifiers: ClinVar variation 1902524 (VCV001902524.6), dbSNP rs954173429, ClinGen allele CA60973865.
Genomic context (GRCh38, chr2:178,723,219, plus strand): 5'-TTCTCTGTTGTGACTATGTTACATTTTTCAGAGGTAGTTATGTTAAAACCATCCTTTTTC[C>T]AAGTGACAGAAATTGGAAGTGTTCCAGTGTAGGTGCTCTCCAGAATTATGGACTTCCCTG-3'